The following is an entry in ClinVar:

NM_007294.4(BRCA1):c.1589A>G (p.Glu530Gly)

Gene: BRCA1 (BRCA1 DNA repair associated; minus strand). Cytogenetic location: 17q21.31.
Variant type: single nucleotide variant.
Coding change: c.1589A>G on transcript NM_007294.4 (MANE Select); coding-DNA position 1589, A replaced by G.
Protein change: p.Glu530Gly; replaces glutamic acid 530 with glycine.
Molecular consequence: missense variant. On other transcripts: intron variant (137).
Genome position (GRCh38, 1-based): chr17:43,093,942, T>C on the plus strand (A>G on the coding strand, the complement: BRCA1 is on the minus strand). VCF-style: chr17-43093942-T-C. GRCh37 (hg19) VCF-style: chr17-41245959-T-C.
Other names: c.1205A>G, p.Glu402Gly (NM_001407962.1); c.1208A>G, p.Glu403Gly (NM_001407963.1, NM_001407959.1, NM_001407960.1); c.1445A>G, p.Glu482Gly (NM_001407964.1, NM_001407740.1, NM_001407741.1 and 20 more transcripts); c.1085A>G, p.Glu362Gly (NM_001407965.1); c.701A>G, p.Glu234Gly (NM_001407966.1, NM_001407967.1); c.1448A>G, p.Glu483Gly (NM_007297.4, NM_001407692.1, NM_001407694.1 and 29 more transcripts); c.1589A>G, p.Glu530Gly (NM_007300.4, NM_001407581.1, NM_001407582.1 and 30 more transcripts); c.646+802A>G (NM_001408458.1, NM_001408469.1, NM_001408453.1 and 11 more transcripts); and 40 more; short protein forms E530G, E483G, E442G, E463G, E488G, E529G, E362G, E418G.
Identifiers: ClinVar variation 496349 (VCV000496349.18), dbSNP rs1555591512, ClinGen allele CA10598869.

ClinVar aggregate classification (germline): Conflicting classifications of pathogenicity. Review status: criteria provided, conflicting classifications (1 of 4 stars). 5 submissions from 5 submitters: Uncertain significance (4); Likely benign (1). Last evaluated 2025-09-10.

Conditions:
Hereditary breast ovarian cancer syndrome. Also called: Breast and ovarian cancer; BRCA1- and BRCA2-Associated Hereditary Breast and Ovarian Cancer; Hereditary breast and ovarian cancer syndrome (HBOC); Hereditary breast and ovarian cancer; Hereditary breast and/or ovarian cancer syndrome; Hereditary breast and ovarian cancer syndrome. Identifiers: Orphanet 145, MedGen C0677776, MeSH D061325, MONDO:0003582. Disease mechanism: loss of function.
Hereditary cancer-predisposing syndrome. Also called: Tumor predisposition; Neoplastic Syndromes, Hereditary; Hereditary neoplastic syndrome; Hereditary Cancer Syndrome. Identifiers: Orphanet 140162, MedGen C0027672, MeSH D009386, MONDO:0015356.

Submissions (5):

Ambry Genetics
Classification: Uncertain significance for Hereditary cancer-predisposing syndrome. Last evaluated: 2025-09-10. Review status: criteria provided, single submitter. Criteria: Ambry Variant Classification Scheme 2023. Collection method: clinical testing. Allele origin: germline.

Color Diagnostics, LLC DBA Color Health
Classification: Uncertain significance for Hereditary cancer-predisposing syndrome. Last evaluated: 2024-06-25. Review status: criteria provided, single submitter. Criteria: ACMG Guidelines, 2015. Collection method: clinical testing. Allele origin: germline.
Comment: This missense variant replaces glutamic acid with glycine at codon 530 of the BRCA1 protein. Computational prediction is inconclusive regarding the impact of this variant on protein structure and function (internally defined REVEL score threshold 0.5 < inconclusive < 0.7, PMID: 27666373). To our knowledge, functional studies have not been reported for this variant. This variant has not been reported in individuals affected with BRCA1-related disorders in the literature. This variant has not been identified in the general population by the Genome Aggregation Database (gnomAD). The available evidence is insufficient to determine the role of this variant in disease conclusively. Therefore, this variant is classified as a Variant of Uncertain Significance.

Labcorp Genetics (formerly Invitae), Labcorp
Classification: Uncertain significance for Hereditary breast ovarian cancer syndrome. Last evaluated: 2024-06-24. Review status: criteria provided, single submitter. Criteria: Invitae Variant Classification Sherloc (09022015). Collection method: clinical testing. Allele origin: germline.
Comment: This sequence change replaces glutamic acid, which is acidic and polar, with glycine, which is neutral and non-polar, at codon 530 of the BRCA1 protein (p.Glu530Gly). This variant is not present in population databases (gnomAD no frequency). This variant has not been reported in the literature in individuals affected with BRCA1-related conditions. ClinVar contains an entry for this variant (Variation ID: 496349). Advanced modeling of protein sequence and biophysical properties (such as structural, functional, and spatial information, amino acid conservation, physicochemical variation, residue mobility, and thermodynamic stability) performed at Invitae indicates that this missense variant is not expected to disrupt BRCA1 protein function with a negative predictive value of 95%. In summary, the available evidence is currently insufficient to determine the role of this variant in disease. Therefore, it has been classified as a Variant of Uncertain Significance.

University of Washington Department of Laboratory Medicine, University of Washington
Classification: Likely benign for Hereditary cancer-predisposing syndrome. Last evaluated: 2023-03-23. Review status: criteria provided, single submitter. Criteria: Dines et al. (Genet Med. 2020). Collection method: curation. Allele origin: germline.
Comment: Missense variant in a coldspot region where missense variants are very unlikely to be pathogenic (PMID:31911673).

BRCA1 coldspot (exon 11 using historical exon numbering). Reclassification based on statistical prior probability

Women's Health and Genetics/Laboratory Corporation of America, LabCorp
Classification: Uncertain significance. Last evaluated: 2016-03-08. Review status: criteria provided, single submitter. Criteria: LabCorp Variant Classification Summary - May 2015. Collection method: clinical testing. Allele origin: germline.
Comment: Variant summary: The BRCA1 c.1589A>G variant affects a non-conserved nucleotide, resulting in amino acid change from Glu to Gly. 4/5 in-silico tools predict this variant to be damaging. This variant was not found in 120796 control chromosomes. The variant of interest has not, to our knowledge, been reported in affected individuals via publications and/or reputable databases/clinical laboratories; nor evaluated for functional impact by in vivo/vitro studies. Because of the absence of clinical information and the lack of functional studies, the variant was classified as a variant of uncertain significance (VUS) until additional information becomes available.